The following is an entry in ClinVar:

NM_176787.5(PIGN):c.2038C>G (p.Leu680Val)

Gene: PIGN (phosphatidylinositol glycan anchor biosynthesis class N; minus strand). Cytogenetic location: 18q21.33.
Variant type: single nucleotide variant.
Coding change: c.2038C>G on transcript NM_176787.5 (MANE Select); coding-DNA position 2038, C replaced by G.
Protein change: p.Leu680Val; replaces leucine 680 with valine.
Molecular consequence: missense variant.
Genome position (GRCh38, 1-based): chr18:62,101,114, G>C on the plus strand (C>G on the coding strand, the complement: PIGN is on the minus strand). VCF-style: chr18-62101114-G-C. GRCh37 (hg19) VCF-style: chr18-59768347-G-C.
Other names: c.2038C>G, p.Leu680Val (NM_012327.6); short protein forms L680V.
Identifiers: ClinVar variation 937019 (VCV000937019.8), dbSNP rs767491900, ClinGen allele CA8982105.

ClinVar aggregate classification (germline): Uncertain significance (1 of 4 stars; one submission).

Conditions:
Multiple congenital anomalies-hypotonia-seizures syndrome 1 (MCAHS1). Also called: PIGN-CDG; Congenital disorder of glycosylation due to PIGN deficiency; GLYCOSYLPHOSPHATIDYLINOSITOL BIOSYNTHESIS DEFECT 3. Identifiers: Orphanet 280633, MedGen C3279775, MONDO:0013563, OMIM 614080.

Allele frequency attached by ClinVar (database versions not stated): TOPMed below 0.00001; ExAC 0.00001.

Submission:

Labcorp Genetics (formerly Invitae), Labcorp
Classification: Uncertain significance for Multiple congenital anomalies-hypotonia-seizures syndrome 1. Last evaluated: 2019-09-12. Review status: criteria provided, single submitter. Criteria: Invitae Variant Classification Sherloc (09022015). Collection method: clinical testing. Allele origin: germline.
Comment: In summary, the available evidence is currently insufficient to determine the role of this variant in disease. Therefore, it has been classified as a Variant of Uncertain Significance. Algorithms developed to predict the effect of missense changes on protein structure and function are either unavailable or do not agree on the potential impact of this missense change (SIFT: "Tolerated"; PolyPhen-2: "Possibly Damaging"; Align-GVGD: "Class C0"). This variant has not been reported in the literature in individuals with PIGN-related conditions. This variant is present in population databases (rs767491900, ExAC 0.002%). This sequence change replaces leucine with valine at codon 680 of the PIGN protein (p.Leu680Val). The leucine residue is moderately conserved and there is a small physicochemical difference between leucine and valine.